The following is an entry in ClinVar:

ClinVar aggregate classification (germline): Uncertain significance. Review status: criteria provided, multiple submitters, no conflicts (2 of 4 stars). 3 submissions from 3 submitters: Uncertain significance (2). 1 of the submissions does not count toward it. Last evaluated 2022-05-30.

Conditions:
Inborn genetic diseases. Identifiers: MedGen C0950123, MeSH D030342.

Allele frequency attached by ClinVar (database versions not stated): ExAC 0.00002; gnomAD 0.00002 and 0.00003; gnomAD exomes 0.00003; TOPMed 0.00003.
gnomAD v4.1: 22 of 1,611,896 alleles (0.0014%); highest among the groups gnomAD compares: Admixed American, 0.0084%; no homozygotes.

Submissions (3):

Ambry Genetics
Classification: Uncertain significance for Inborn genetic diseases. Last evaluated: 2022-05-30. Review status: criteria provided, single submitter. Criteria: Ambry Variant Classification Scheme 2023. Collection method: clinical testing. Allele origin: germline.

Labcorp Genetics (formerly Invitae), Labcorp
Classification: Uncertain significance. Last evaluated: 2022-05-04. Review status: criteria provided, single submitter. Criteria: Invitae Variant Classification Sherloc (09022015). Collection method: clinical testing. Allele origin: germline.
Comment: In summary, the available evidence is currently insufficient to determine the role of this variant in disease. Therefore, it has been classified as a Variant of Uncertain Significance. Algorithms developed to predict the effect of missense changes on protein structure and function are either unavailable or do not agree on the potential impact of this missense change (SIFT: "Deleterious"; PolyPhen-2: "Probably Damaging"; Align-GVGD: "Class C15"). ClinVar contains an entry for this variant (Variation ID: 1049852). This variant has not been reported in the literature in individuals affected with FAT1-related conditions. This variant is present in population databases (rs768392442, gnomAD 0.007%). This sequence change replaces aspartic acid, which is acidic and polar, with asparagine, which is neutral and polar, at codon 3399 of the FAT1 protein (p.Asp3399Asn).

Department of Pathology and Laboratory Medicine, Sinai Health System
Classification: Uncertain significance. Review status: no assertion criteria provided. Collection method: clinical testing. Allele origin: unknown. Affected: yes. Study: The Canadian Open Genetics Repository (COGR). Not counted in ClinVar's aggregate classification.
Comment: The FAT1 p.Asp3399Asn variant was not identified in the literature nor was it identified in ClinVar or LOVD 3.0. The variant was identified in dbSNP (ID: rs768392442), Cosmic (FATHMM prediction Pathogenic; score=0.99) and in control databases in 7 of 246924 chromosomes at a frequency of 0.000028 (Genome Aggregation Database Feb 27, 2017). The variant was observed in the following populations: African in 1 of 15440 chromosomes (freq: 0.000065), Latino in 2 of 33866 chromosomes (freq: 0.000059), South Asian in 1 of 30376 chromosomes (freq: 0.000033) and European (non-Finnish) in 3 of 112180 chromosomes (freq: 0.000027), while the variant was not observed in the Ashkenazi Jewish, East Asian, European (Finnish) or Other populations. The variant occurs outside of the splicing consensus sequence and in silico or computational prediction software programs (SpliceSiteFinder, MaxEntScan, NNSPLICE, GeneSplicer) do not predict a difference in splicing. The p.Asp3399 residue is conserved in mammals and computational analyses (PolyPhen-2, SIFT, AlignGVGD, BLOSUM, MutationTaster) provide inconsistent predictions regarding the impact to the protein; this information is not very predictive of pathogenicity. In summary, based on the above information the clinical significance of this variant cannot be determined with certainty at this time. This variant is classified as a variant of uncertain significance.

NM_005245.4(FAT1):c.10195G>A (p.Asp3399Asn)

Gene: FAT1 (FAT atypical cadherin 1; minus strand). Cytogenetic location: 4q35.2.
Variant type: single nucleotide variant.
Coding change: c.10195G>A on transcript NM_005245.4 (MANE Select); coding-DNA position 10195, G replaced by A.
Protein change: p.Asp3399Asn; replaces aspartic acid 3399 with asparagine.
Molecular consequence: missense variant.
Genome position (GRCh38, 1-based): chr4:186,609,194, C>T on the plus strand (G>A on the coding strand, the complement: FAT1 is on the minus strand). VCF-style: chr4-186609194-C-T. GRCh37 (hg19) VCF-style: chr4-187530348-C-T.
Other names: c.10195G>A (NM_005245.3); short protein forms D3399N.
Identifiers: ClinVar variation 1049852 (VCV001049852.7), dbSNP rs768392442, ClinGen allele CA3165454.
Genomic context (GRCh38, chr4:186,609,194, plus strand): 5'-TATTGATGTGGTGATTTGTAAACAACGTAAATCAACCTTTTTCACTTACCGTTTCTCGGT[C>T]GAGAAGTTTGGTCACTTTGACTTCTCCCCTGACGGGGTCAATTGTGAACGAGCTTCCTTG-3'
Protein context (NP_005236.2, residues 3389-3409): RGEVKVTKLL[Asp3399Asn]RETISGYTLT